The following is an entry in ClinVar:

ClinVar aggregate classification (germline): Uncertain significance (1 of 4 stars; one submission).

Conditions:
SEMA3C-related disorder. Also called: SEMA3C-related condition.

Submission:

PreventionGenetics, part of Exact Sciences
Classification: Uncertain significance for SEMA3C-related condition. Last evaluated: 2023-06-08. Review status: criteria provided, single submitter. Criteria: ACMG Guidelines, 2015. Collection method: clinical testing. Allele origin: germline.
Comment: The SEMA3C c.1517_1519delCAA variant is predicted to result in an in-frame deletion (p.Thr506del). To our knowledge, this variant has not been reported in the literature. This variant is reported in 0.0065% of alleles in individuals of European (Non-Finnish) descent in gnomAD. At this time, the clinical significance of this variant is uncertain due to the absence of conclusive functional and genetic evidence.

NM_006379.5(SEMA3C):c.1460CAA[1] (p.Thr488del)

Gene: SEMA3C (semaphorin 3C; minus strand). Cytogenetic location: 7q21.11.
Variant type: Microsatellite.
Coding change: c.1460CAA[1] on transcript NM_006379.5 (MANE Select); one copy of the 3-base unit CAA starting at c.1460; the reference has two copies in a row; one copy, 3 bases deleted.
Protein change: p.Thr488del; deletes threonine 488.
Molecular consequence: inframe deletion.
Genome position (GRCh38, 1-based): chr7:80,761,636-80,761,638, TTG deleted on the plus strand (CAA on the coding strand, the reverse complement: SEMA3C is on the minus strand); deleting any 3 consecutive bases within chr7:80,761,636-80,761,643 gives the same sequence; the position shown is the placement nearest the transcript's 3' end. VCF-style (leftmost placement, unchanged base first): chr7-80761635-ATTG-A. GRCh37 (hg19) VCF-style: chr7-80390951-ATTG-A.
Other names: c.1514CAA[1], p.Thr506del (NM_001350120.2); c.1286CAA[1], p.Thr430del (NM_001350121.2); short protein forms T430del, T488del, T506del.
Identifiers: ClinVar variation 2632081 (VCV002632081.1), dbSNP rs1402121156, ClinGen allele CA575796182.